The following is an entry in ClinVar:

NM_015512.5(DNAH1):c.6451T>A (p.Phe2151Ile)

Gene: DNAH1 (dynein axonemal heavy chain 1; plus strand). Cytogenetic location: 3p21.1.
Variant type: single nucleotide variant.
Coding change: c.6451T>A on transcript NM_015512.5 (MANE Select); coding-DNA position 6451, T replaced by A.
Protein change: p.Phe2151Ile; replaces phenylalanine 2151 with isoleucine.
Molecular consequence: missense variant.
Genome position (GRCh38, 1-based): chr3:52,370,751, T>A. VCF-style: chr3-52370751-T-A. GRCh37 (hg19) VCF-style: chr3-52404767-T-A.
Other names: short protein forms F2151I.
Identifiers: ClinVar variation 4813097 (VCV004813097.1).

ClinVar aggregate classification (germline): Uncertain significance (1 of 4 stars; one submission).

Conditions:
Congenital portosystemic shunt. Identifiers: Orphanet 480531, MedGen C1290495, MONDO:0018811.

Submission:

Department of Pediatrics, Graduate School of Medical Sciences, Kyushu University
Classification: Uncertain significance for Congenital portosystemic shunt. Last evaluated: 2026-02-27. Review status: criteria provided, single submitter. Criteria: ACMG Guidelines, 2015. Collection method: research. Allele origin: germline. Affected: yes.
Comment: Both variants are rare or absent in population databases such as gnomAD, and in silico prediction tools including CADD suggest potential deleterious effects. However, the relationship between this gene and CPSS has not been established. Therefore, the clinical significance of this variant is currently classified as a variant of uncertain significance (VUS).